The following is an entry in ClinVar:

ClinVar aggregate classification (germline): Likely pathogenic (1 of 4 stars; one submission).

Conditions:
Congenital lactic acidosis, Saguenay-Lac-Saint-Jean type (MC4DN5). Also called: CYTOCHROME c OXIDASE DEFICIENCY, FRENCH CANADIAN TYPE; COX DEFICIENCY, FRENCH CANADIAN TYPE; MITOCHONDRIAL COMPLEX IV DEFICIENCY, NUCLEAR TYPE 5. Identifiers: Orphanet 70472, MedGen C1857355, MONDO:0009069, OMIM 220111.

Submission:

Myriad Genetics, Inc.
Classification: Likely pathogenic for Congenital lactic acidosis, Saguenay-Lac-Saint-Jean type. Last evaluated: 2022-01-02. Review status: criteria provided, single submitter. Criteria: Myriad Women's Health Autosomal Recessive and X-Linked Classification Criteria (2021). Collection method: clinical testing. Allele origin: unknown.
Comment: NM_133259.3(LRPPRC):c.1277T>A(L426*) is expected to be pathogenic in the context of Leigh syndrome, French-Canadian type. This variant is predicted to lead to an abnormal or absent protein product due to the creation of a premature termination codon in LRPPRC, a gene where loss-of-function variants are known to be pathogenic. Please note: this variant was assessed in the context of healthy population screening.

NM_133259.4(LRPPRC):c.1277T>A (p.Leu426Ter)

Gene: LRPPRC (leucine rich pentatricopeptide repeat containing; minus strand). Cytogenetic location: 2p21.
Variant type: single nucleotide variant.
Coding change: c.1277T>A on transcript NM_133259.4 (MANE Select); coding-DNA position 1277, T replaced by A.
Protein change: p.Leu426Ter; replaces leucine 426 with a stop codon.
Molecular consequence: nonsense.
Genome position (GRCh38, 1-based): chr2:43,973,699, A>T on the plus strand (T>A on the coding strand, the complement: LRPPRC is on the minus strand). VCF-style: chr2-43973699-A-T. GRCh37 (hg19) VCF-style: chr2-44200838-A-T.
Other names: short protein forms L426*.
Identifiers: ClinVar variation 1726967 (VCV001726967.2), dbSNP rs2466660353, ClinGen allele CA346672070.